The following is an entry in ClinVar:

NM_032242.4(PLXNA1):c.1373G>T (p.Arg458Leu)

Gene: PLXNA1 (plexin A1; plus strand). Cytogenetic location: 3q21.3.
Variant type: single nucleotide variant.
Coding change: c.1373G>T on transcript NM_032242.4 (MANE Select); coding-DNA position 1373, G replaced by T.
Protein change: p.Arg458Leu; replaces arginine 458 with leucine.
Molecular consequence: missense variant.
Genome position (GRCh38, 1-based): chr3:126,991,562, G>T. VCF-style: chr3-126991562-G-T. GRCh37 (hg19) VCF-style: chr3-126710405-G-T.
Other names: short protein forms R458L.
Identifiers: ClinVar variation 4983237 (VCV004983237.1).

ClinVar aggregate classification (germline): Uncertain significance (1 of 4 stars; one submission).

Conditions:
PLXNA1-related disorder. Also called: PLXNA1-related condition.

gnomAD v4.1: 5 of 1,568,604 alleles (0.00032%); highest among the groups gnomAD compares: South Asian, 0.0024%; no homozygotes.

Submission:

PreventionGenetics, part of Exact Sciences
Classification: Uncertain significance for PLXNA1-related condition. Last evaluated: 2026-08-05. Review status: criteria provided, single submitter. Criteria: ACMG Guidelines, 2015. Collection method: clinical testing. Allele origin: germline.
Comment: The PLXNA1 c.1373G>T variant is predicted to result in the amino acid substitution p.Arg458Leu. To our knowledge, this variant has not been reported in the literature. This variant is reported in 0.0085% of alleles in individuals of South Asian descent in gnomAD. At this time, the clinical significance of this variant is uncertain due to the absence of conclusive functional and genetic evidence.